The following is an entry in ClinVar:

ClinVar aggregate classification (germline): Uncertain significance (1 of 4 stars; one submission).

Allele frequency attached by ClinVar (database versions not stated): gnomAD exomes below 0.00001; gnomAD 0.00001.
gnomAD v4.1: 9 of 1,614,020 alleles (0.00056%); highest among the groups gnomAD compares: Non-Finnish European, 0.00068%; no homozygotes.

Submission:

Labcorp Genetics (formerly Invitae), Labcorp
Classification: Uncertain significance. Last evaluated: 2022-09-24. Review status: criteria provided, single submitter. Criteria: Invitae Variant Classification Sherloc (09022015). Collection method: clinical testing. Allele origin: germline.
Comment: This sequence change replaces glycine, which is neutral and non-polar, with valine, which is neutral and non-polar, at codon 156 of the TNFAIP3 protein (p.Gly156Val). This variant is present in population databases (no rsID available, gnomAD 0.0009%). This variant has not been reported in the literature in individuals affected with TNFAIP3-related conditions. Advanced modeling of protein sequence and biophysical properties (such as structural, functional, and spatial information, amino acid conservation, physicochemical variation, residue mobility, and thermodynamic stability) has been performed at Invitae for this missense variant, however the output from this modeling did not meet the statistical confidence thresholds required to predict the impact of this variant on TNFAIP3 protein function. Algorithms developed to predict the effect of sequence changes on RNA splicing suggest that this variant may create or strengthen a splice site. In summary, the available evidence is currently insufficient to determine the role of this variant in disease. Therefore, it has been classified as a Variant of Uncertain Significance.

NM_001270508.2(TNFAIP3):c.467G>T (p.Gly156Val)

Gene: TNFAIP3 (TNF alpha induced protein 3; plus strand). Cytogenetic location: 6q23.3.
Variant type: single nucleotide variant.
Coding change: c.467G>T on transcript NM_001270508.2 (MANE Select); coding-DNA position 467, G replaced by T.
Protein change: p.Gly156Val; replaces glycine 156 with valine.
Molecular consequence: missense variant.
Genome position (GRCh38, 1-based): chr6:137,875,016, G>T. VCF-style: chr6-137875016-G-T. GRCh37 (hg19) VCF-style: chr6-138196153-G-T.
Other names: c.467G>T, p.Gly156Val (NM_001270507.2, NM_006290.4); short protein forms G156V.
Identifiers: ClinVar variation 1935706 (VCV001935706.5), dbSNP rs1431526097, ClinGen allele CA365782508.